The following is an entry in ClinVar:

ClinVar aggregate classification (germline): Uncertain significance (1 of 4 stars; one submission).

Conditions:
Wilson disease (WND). Also called: Wilson's disease. Identifiers: Orphanet 905, MedGen C0019202, MONDO:0010200, OMIM 277900. Disease mechanism: loss of function.

gnomAD v4.1: 4 of 1,614,156 alleles (0.00025%); highest among the groups gnomAD compares: Non-Finnish European, 0.00034%; no homozygotes.

Submission:

All of Us Research Program, National Institutes of Health
Classification: Uncertain significance for Wilson disease. Last evaluated: 2024-02-22. Review status: criteria provided, single submitter. Criteria: ACMG Guidelines, 2015. Collection method: clinical testing. Allele origin: germline. Inheritance: Autosomal recessive inheritance. Observed: 1 variant allele, 1 heterozygote.
Comment: This missense variant replaces glycine with arginine at codon 1259 of the ATP7B protein. Computational prediction is inconclusive regarding the impact of this variant on protein structure and function (internally defined REVEL score threshold 0.5 < inconclusive < 0.7, PMID: 27666373). To our knowledge, functional studies have not been reported for this variant. This variant has not been reported in individuals affected with ATP7B-related disorders in the literature. This variant has been identified in 3/249582 chromosomes in the general population by the Genome Aggregation Database (gnomAD). The available evidence is insufficient to determine the role of this variant in disease conclusively. Therefore, this variant is classified as a Variant of Uncertain Significance.

This study involves interpretation of variants in research participants for the purpose of population health screening. Participant phenotype was not available at the time of variant classification. Additional details can be found in publication PMID: 35346344, PMCID: PMC8962531

NM_000053.4(ATP7B):c.3775G>A (p.Gly1259Arg)

Gene: ATP7B (ATPase copper transporting beta; minus strand). Cytogenetic location: 13q14.3.
Variant type: single nucleotide variant.
Coding change: c.3775G>A on transcript NM_000053.4 (MANE Select); coding-DNA position 3775, G replaced by A.
Protein change: p.Gly1259Arg; replaces glycine 1259 with arginine.
Molecular consequence: missense variant. On other transcripts: intron variant (1).
Genome position (GRCh38, 1-based): chr13:51,937,604, C>T on the plus strand (G>A on the coding strand, the complement: ATP7B is on the minus strand). VCF-style: chr13-51937604-C-T. GRCh37 (hg19) VCF-style: chr13-52511740-C-T.
Other names: c.3328G>A, p.Gly1110Arg (NM_001406540.1); c.3289G>A, p.Gly1097Arg (NM_001406541.1, NM_001406542.1); c.3283G>A, p.Gly1095Arg (NM_001406543.1); c.3193G>A, p.Gly1065Arg (NM_001406544.1); c.3127G>A, p.Gly1043Arg (NM_001406545.1); c.3094G>A, p.Gly1032Arg (NM_001406546.1); c.2932G>A, p.Gly978Arg (NM_001406547.1); c.2485G>A, p.Gly829Arg (NM_001406548.1); and 21 more; short protein forms G1052R, G1065R, G1095R, G1097R, G1110R, G1116R, G1133R, G1146R.
Identifiers: ClinVar variation 3387371 (VCV003387371.1).
Genomic context (GRCh38, chr13:51,937,604, plus strand): 5'-CTGCCTGGGCCAAGGCCGGGGAGTCATTGACCCCATCCCCCACCATGGCGACTTTCTTCC[C>T]TTTATTCTGGAGCTCCTGGACCTTGGCCACCTTGTGCGAAGGCAGCACCTCTGCAAAGAC-3'
Protein context (NP_000044.2, residues 1249-1269): VAKVQELQNK[Gly1259Arg]KKVAMVGDGV